The following is an entry in ClinVar:

ClinVar aggregate classification (germline): Uncertain significance (1 of 4 stars; one submission).

Conditions:
Dyskeratosis congenita, autosomal dominant 2. Identifiers: MedGen C3151443, MONDO:0013521, OMIM 613989.
Idiopathic Pulmonary Fibrosis. Also called: Idiopathic fibrosing alveolitis, chronic form; idiopathic fibrosing alveolitis. Identifiers: Orphanet 2032, MedGen C1800706, MeSH D054990, MONDO:0800504.

Submission:

Labcorp Genetics (formerly Invitae), Labcorp
Classification: Uncertain significance for Dyskeratosis congenita, autosomal dominant 2; Idiopathic Pulmonary Fibrosis. Last evaluated: 2024-07-01. Review status: criteria provided, single submitter. Criteria: Invitae Variant Classification Sherloc (09022015). Collection method: clinical testing. Allele origin: germline.
Comment: This sequence change replaces valine, which is neutral and non-polar, with alanine, which is neutral and non-polar, at codon 697 of the TERT protein (p.Val697Ala). This variant is not present in population databases (gnomAD no frequency). This variant has not been reported in the literature in individuals affected with TERT-related conditions. ClinVar contains an entry for this variant (Variation ID: 1039384). Advanced modeling of protein sequence and biophysical properties (such as structural, functional, and spatial information, amino acid conservation, physicochemical variation, residue mobility, and thermodynamic stability) has been performed at Invitae for this missense variant, however the output from this modeling did not meet the statistical confidence thresholds required to predict the impact of this variant on TERT protein function. In summary, the available evidence is currently insufficient to determine the role of this variant in disease. Therefore, it has been classified as a Variant of Uncertain Significance.

NM_198253.3(TERT):c.2090T>C (p.Val697Ala)

Gene: TERT (telomerase reverse transcriptase; minus strand). Cytogenetic location: 5p15.33.
Variant type: single nucleotide variant.
Coding change: c.2090T>C on transcript NM_198253.3 (MANE Select); coding-DNA position 2090, T replaced by C.
Protein change: p.Val697Ala; replaces valine 697 with alanine.
Molecular consequence: missense variant. On other transcripts: non-coding transcript variant (2).
Genome position (GRCh38, 1-based): chr5:1,279,331, A>G on the plus strand (T>C on the coding strand, the complement: TERT is on the minus strand). VCF-style: chr5-1279331-A-G. GRCh37 (hg19) VCF-style: chr5-1279446-A-G.
Other names: c.2090T>C, p.Val697Ala (NM_001193376.3); short protein forms V697A.
Identifiers: ClinVar variation 1039384 (VCV001039384.9), dbSNP rs1749845469, ClinGen allele CA359080131.